The following is an entry in ClinVar:

NM_000487.6(ARSA):c.*855G>A

Gene: ARSA (arylsulfatase A; minus strand). Cytogenetic location: 22q13.33.
Variant type: single nucleotide variant.
Coding change: c.*855G>A on transcript NM_000487.6 (MANE Select); 855 bases downstream of the stop codon, G replaced by A.
Molecular consequence: 3 prime UTR variant.
Genome position (GRCh38, 1-based): chr22:50,624,290, C>T on the plus strand (G>A on the coding strand, the complement: ARSA is on the minus strand). VCF-style: chr22-50624290-C-T. GRCh37 (hg19) VCF-style: chr22-51062718-C-T.
Other names: c.*855G>A (NM_001085425.3, NM_001085426.3, NM_001085427.3 and 2 more transcripts).
Identifiers: ClinVar variation 342216 (VCV000342216.5), dbSNP rs7288050, ClinGen allele CA10653691.
Genomic context (GRCh38, chr22:50,624,290, plus strand): 5'-CCTGGCTAATTTTGTATTTTTAGTAGAGATGGGGTTTCTCCATGTTGGTCAGGCTGGTCT[C>T]GAACTCCCGACCTCAGGTGATCCACCCGCCTCGGCTTCCTAAAGTGCTGGGATTACAGGC-3'

ClinVar aggregate classification (germline): Benign (1 of 4 stars; one submission).

Conditions:
Metachromatic leukodystrophy (MLD). Also called: ARSA DEFICIENCY; CEREBROSIDE SULFATASE DEFICIENCY; METACHROMATIC LEUKOENCEPHALOPATHY; SULFATIDE LIPIDOSIS; Cerebral sclerosis diffuse metachromatic form; Arylsulfatase A Deficiency. Identifiers: Orphanet 512, MedGen C0023522, MONDO:0018868, OMIM 250100.

Allele frequency attached by ClinVar (database versions not stated): 1000 Genomes Project 30x 0.34650; 1000 Genomes Project 0.34904; TOPMed 0.39757; gnomAD 0.40723 and 0.41126.
gnomAD v4.1: 62,054 of 151,966 alleles (41%); highest among the groups gnomAD compares: Non-Finnish European, 48%; 13,211 homozygotes.

Submission:

Illumina Laboratory Services, Illumina
Classification: Benign for Metachromatic leukodystrophy. Last evaluated: 2018-01-12. Review status: criteria provided, single submitter. Criteria: ICSL Variant Classification Criteria 13 December 2019. Collection method: clinical testing. Allele origin: germline.
Comment: This variant was observed in the ICSL laboratory as part of a predisposition screen in an ostensibly healthy population. It had not been previously curated by ICSL or reported in the Human Gene Mutation Database (HGMD: prior to June 1st, 2018), and was therefore a candidate for classification through an automated scoring system. Utilizing variant allele frequency, disease prevalence and penetrance estimates, and inheritance mode, an automated score was calculated to assess if this variant is too frequent to cause the disease. Based on the score and internal cut-off values, a variant classified as benign is not then subjected to further curation. The score for this variant resulted in a classification of benign for this disease.